The following is an entry in ClinVar:

ClinVar aggregate classification (germline): Uncertain significance (1 of 4 stars; one submission).

Allele frequency attached by ClinVar (database versions not stated): TOPMed 0.00001; gnomAD 0.00002 and 0.00004.
gnomAD v4.1: 18 of 1,614,144 alleles (0.0011%); highest among the groups gnomAD compares: East Asian, 0.013%; no homozygotes.

Submission:

Labcorp Genetics (formerly Invitae), Labcorp
Classification: Uncertain significance. Last evaluated: 2021-09-02. Review status: criteria provided, single submitter. Criteria: Invitae Variant Classification Sherloc (09022015). Collection method: clinical testing. Allele origin: germline.
Comment: This sequence change replaces isoleucine with valine at codon 870 of the SZT2 protein (p.Ile870Val). The isoleucine residue is highly conserved and there is a small physicochemical difference between isoleucine and valine. This variant is present in population databases (rs753155710, ExAC 0.006%). This variant has not been reported in the literature in individuals affected with SZT2-related conditions. Algorithms developed to predict the effect of missense changes on protein structure and function output the following: SIFT: "Deleterious"; PolyPhen-2: "Benign"; Align-GVGD: "Class C25". The valine amino acid residue is found in multiple mammalian species, which suggests that this missense change does not adversely affect protein function. In summary, the available evidence is currently insufficient to determine the role of this variant in disease. Therefore, it has been classified as a Variant of Uncertain Significance.

NM_001365999.1(SZT2):c.2608A>G (p.Ile870Val)

Gene: SZT2 (SZT2 subunit of KICSTOR complex; plus strand). Cytogenetic location: 1p34.2.
Variant type: single nucleotide variant.
Coding change: c.2608A>G on transcript NM_001365999.1 (MANE Select); coding-DNA position 2608, A replaced by G.
Protein change: p.Ile870Val; replaces isoleucine 870 with valine.
Molecular consequence: missense variant.
Genome position (GRCh38, 1-based): chr1:43,425,170, A>G. VCF-style: chr1-43425170-A-G. GRCh37 (hg19) VCF-style: chr1-43890841-A-G.
Other names: c.2608A>G, p.Ile870Val (NM_015284.4); short protein forms I870V.
Identifiers: ClinVar variation 1023090 (VCV001023090.6), dbSNP rs753155710, ClinGen allele CA808753.
Genomic context (GRCh38, chr1:43,425,170, plus strand): 5'-CAGAATGAACCACCAGGGCAGGCTGCAGCTGAAGAGAAGCACACCTGTGTTGTCCAGTAC[A>G]TCCTCTTCCCCCCACACTCTACCTCCACCAAAGACAGGTGAGACAGGCCATCTGTGAGGG-3'
Protein context (NP_001352928.1, residues 860-880): EEKHTCVVQY[Ile870Val]LFPPHSTSTK